The following is an entry in ClinVar:

ClinVar aggregate classification (germline): Uncertain significance (1 of 4 stars; one submission).

Conditions:
RASopathy. Also called: Noonan spectrum disorder; rasopathies. Identifiers: Orphanet 536391, MedGen C5555857, MONDO:0021060.

Submission:

Labcorp Genetics (formerly Invitae), Labcorp
Classification: Uncertain significance for RASopathy. Last evaluated: 2024-03-26. Review status: criteria provided, single submitter. Criteria: Invitae Variant Classification Sherloc (09022015). Collection method: clinical testing. Allele origin: germline.
Comment: This sequence change replaces asparagine, which is neutral and polar, with histidine, which is basic and polar, at codon 199 of the MAP2K2 protein (p.Asn199His). This variant is not present in population databases (gnomAD no frequency). This variant has not been reported in the literature in individuals affected with MAP2K2-related conditions. Advanced modeling of protein sequence and biophysical properties (such as structural, functional, and spatial information, amino acid conservation, physicochemical variation, residue mobility, and thermodynamic stability) has been performed at Invitae for this missense variant, however the output from this modeling did not meet the statistical confidence thresholds required to predict the impact of this variant on MAP2K2 protein function. In summary, the available evidence is currently insufficient to determine the role of this variant in disease. Therefore, it has been classified as a Variant of Uncertain Significance.

NM_030662.4(MAP2K2):c.595A>C (p.Asn199His)

Gene: MAP2K2 (mitogen-activated protein kinase kinase 2; minus strand). Cytogenetic location: 19p13.3.
Variant type: single nucleotide variant.
Coding change: c.595A>C on transcript NM_030662.4 (MANE Select); coding-DNA position 595, A replaced by C.
Protein change: p.Asn199His; replaces asparagine 199 with histidine.
Molecular consequence: missense variant.
Genome position (GRCh38, 1-based): chr19:4,101,129, T>G on the plus strand (A>C on the coding strand, the complement: MAP2K2 is on the minus strand). VCF-style: chr19-4101129-T-G. GRCh37 (hg19) VCF-style: chr19-4101127-T-G.
Other names: short protein forms N199H.
Identifiers: ClinVar variation 3636799 (VCV003636799.2).